The following is an entry in ClinVar:

NM_005633.4(SOS1):c.774G>C (p.Lys258Asn)

Gene: SOS1 (SOS Ras/Rac guanine nucleotide exchange factor 1; minus strand). Cytogenetic location: 2p22.1.
Variant type: single nucleotide variant.
Coding change: c.774G>C on transcript NM_005633.4 (MANE Select); coding-DNA position 774, G replaced by C.
Protein change: p.Lys258Asn; replaces lysine 258 with asparagine.
Molecular consequence: missense variant.
Genome position (GRCh38, 1-based): chr2:39,051,234, C>G on the plus strand (G>C on the coding strand, the complement: SOS1 is on the minus strand). VCF-style: chr2-39051234-C-G. GRCh37 (hg19) VCF-style: chr2-39278375-C-G.
Other names: c.753G>C, p.Lys251Asn (NM_001382394.1); c.774G>C, p.Lys258Asn (NM_001382395.1); short protein forms K258N, K251N.
Identifiers: ClinVar variation 857445 (VCV000857445.9), dbSNP rs1671006816, ClinGen allele CA346367742.
Genomic context (GRCh38, chr2:39,051,234, plus strand): 5'-TAGTGGATGGGGACTGCCTTCATCTGTCATTTCTACTGTATCTTCTATATGGCCCAGTAA[C>G]TTTACACTAAGTTCATGTATATCTACTATGCGACTAAATATATTTTCTACATCCTGTTTG-3'
Protein context (NP_005624.2, residues 248-268): RIVDIHELSV[Lys258Asn]LLGHIEDTVE

ClinVar aggregate classification (germline): Uncertain significance (1 of 4 stars; one submission).

Conditions:
RASopathy. Also called: Noonan spectrum disorder; rasopathies. Identifiers: Orphanet 536391, MedGen C5555857, MONDO:0021060.

Allele frequency attached by ClinVar (database versions not stated): gnomAD below 0.00001 and 0.00001.
gnomAD v4.1: 1 of 1,612,354 alleles (0.000062%); highest among the groups gnomAD compares: South Asian, 0.0011%; no homozygotes.

Submission:

Labcorp Genetics (formerly Invitae), Labcorp
Classification: Uncertain significance for RASopathy. Last evaluated: 2019-04-19. Review status: criteria provided, single submitter. Criteria: Invitae Variant Classification Sherloc (09022015). Collection method: clinical testing. Allele origin: germline.
Comment: This variant is not present in population databases (ExAC no frequency). This sequence change replaces lysine with asparagine at codon 258 of the SOS1 protein (p.Lys258Asn). The lysine residue is moderately conserved and there is a moderate physicochemical difference between lysine and asparagine. Algorithms developed to predict the effect of missense changes on protein structure and function (SIFT, PolyPhen-2, Align-GVGD) all suggest that this variant is likely to be tolerated, but these predictions have not been confirmed by published functional studies and their clinical significance is uncertain. In summary, the available evidence is currently insufficient to determine the role of this variant in disease. Therefore, it has been classified as a Variant of Uncertain Significance. This variant has not been reported in the literature in individuals with SOS1-related conditions.